The following is an entry in ClinVar:

NM_001349723.3(DNAJB5):c.674C>A (p.Pro225Gln)

Gene: DNAJB5 (DnaJ heat shock protein family (Hsp40) member B5; plus strand). Cytogenetic location: 9p13.3.
Variant type: single nucleotide variant.
Coding change: c.674C>A on transcript NM_001349723.3 (MANE Select); coding-DNA position 674, C replaced by A.
Protein change: p.Pro225Gln; replaces proline 225 with glutamine.
Molecular consequence: missense variant.
Genome position (GRCh38, 1-based): chr9:34,996,511, C>A. VCF-style: chr9-34996511-C-A. GRCh37 (hg19) VCF-style: chr9-34996508-C-A.
Other names: c.560C>A, p.Pro187Gln (NM_001135004.3, NM_001349725.2); c.674C>A, p.Pro225Gln (NM_001135005.3); c.458C>A, p.Pro153Gln (NM_001349724.2, NM_012266.6); short protein forms P153Q, P187Q, P225Q.
Identifiers: ClinVar variation 2659167 (VCV002659167.24), dbSNP rs1481577157, ClinGen allele CA373273992.

ClinVar aggregate classification (germline): Uncertain significance (1 of 4 stars; one submission).

Allele frequency attached by ClinVar (database versions not stated): gnomAD exomes below 0.00001; TOPMed below 0.00001.
gnomAD v4.1: 1 of 1,614,148 alleles (0.000062%); highest among the groups gnomAD compares: Non-Finnish European, 0.000085%; no homozygotes.

Submission:

CeGaT Center for Human Genetics Tuebingen
Classification: Uncertain significance. Last evaluated: 2023-05-01. Review status: criteria provided, single submitter. Criteria: CeGaT Center For Human Genetics Tuebingen Variant Classification Criteria Version 2. Collection method: clinical testing. Allele origin: germline. Affected: yes. Observed: 1 variant allele.
Comment: DNAJB5: PM2, PP2, BP4